The following is an entry in ClinVar:

NM_003900.5(SQSTM1):c.956del (p.Glu319fs)

Gene: SQSTM1 (sequestosome 1; plus strand). Cytogenetic location: 5q35.3.
Variant type: Deletion.
Coding change: c.956del on transcript NM_003900.5 (MANE Select); coding-DNA position 956, one base deleted (A; older notation c.956delA).
Protein change: p.Glu319fs; shifts the reading frame from glutamic acid 319.
Molecular consequence: frameshift variant.
Genome position (GRCh38, 1-based): chr5:179,833,233, A deleted. VCF-style (leftmost placement, unchanged base first): chr5-179833232-GA-G. GRCh37 (hg19) VCF-style: chr5-179260232-GA-G.
Other names: c.704del, p.Glu235fs (NM_001142298.2, NM_001142299.2); short protein forms E235fs, E319fs.
Identifiers: ClinVar variation 2928664 (VCV002928664.4), dbSNP rs2480244990, ClinGen allele CA2676906930.

ClinVar aggregate classification (germline): Conflicting classifications of pathogenicity. Review status: criteria provided, conflicting classifications (1 of 4 stars). 2 submissions from 2 submitters: Likely pathogenic (1); Uncertain significance (1). Last evaluated 2024-09-06.

Conditions:
SQSTM1-related disorder. Also called: SQSTM1-Related Disorders.
Frontotemporal dementia and/or amyotrophic lateral sclerosis 1 (FTDALS1). Also called: C9orf72 Frontotemporal Dementia and/or Amyotrophic Lateral Sclerosis; Frontotemporal dementia with motor neuron disease 1. Identifiers: Orphanet 275872, MedGen C5779877, MONDO:0007105, OMIM 105550.
Paget disease of bone 2, early-onset (PDB2). Also called: Paget disease of bone 2. Identifiers: MedGen C4085251, MONDO:0011183, OMIM 602080.

Allele frequency attached by ClinVar (database versions not stated): gnomAD exomes below 0.00001.

Submissions (2):

Blueprint Genetics
Classification: Likely pathogenic for SQSTM1-related disorders. Last evaluated: 2024-09-06. Review status: criteria provided, single submitter. Criteria: ACMG Guidelines, 2015. Collection method: clinical testing. Allele origin: germline. Affected: yes. Observed: 1 variant allele.

Labcorp Genetics (formerly Invitae), Labcorp
Classification: Uncertain significance for Paget disease of bone 2, early-onset; Frontotemporal dementia and/or amyotrophic lateral sclerosis 1. Last evaluated: 2023-03-04. Review status: criteria provided, single submitter. Criteria: Invitae Variant Classification Sherloc (09022015). Collection method: clinical testing. Allele origin: germline.
Comment: In summary, the available evidence is currently insufficient to determine the role of this variant in disease. Therefore, it has been classified as a Variant of Uncertain Significance. Experimental studies and prediction algorithms are not available or were not evaluated, and the functional significance of this variant is currently unknown. This variant has not been reported in the literature in individuals affected with SQSTM1-related conditions. This variant is not present in population databases (gnomAD no frequency). This sequence change creates a premature translational stop signal (p.Glu319Glyfs*59) in the SQSTM1 gene. While this is not anticipated to result in nonsense mediated decay, it is expected to disrupt the last 122 amino acid(s) of the SQSTM1 protein.